The following is an entry in ClinVar:

ClinVar aggregate classification (germline): Uncertain significance (1 of 4 stars; one submission).

Conditions:
Cardiac anomalies - developmental delay - facial dysmorphism syndrome (MRFACD). Also called: MED13L Syndrome; Impaired intellectual development and distinctive facial features with or without cardiac defects. Identifiers: Orphanet 369891, MedGen C5192431, MONDO:0014773, OMIM 616789.

Submission:

Baylor Genetics
Classification: Uncertain significance for Cardiac anomalies - developmental delay - facial dysmorphism syndrome. Last evaluated: 2018-12-07. Review status: criteria provided, single submitter. Criteria: ACMG Guidelines, 2015. Collection method: clinical testing. Allele origin: unknown. Affected: yes.
Comment: This variant was determined to be of uncertain significance according to ACMG Guidelines, 2015 [PMID:25741868].

NM_015335.5(MED13L):c.5659G>A (p.Val1887Ile)

Gene: MED13L (mediator complex subunit 13L; minus strand). Cytogenetic location: 12q24.21.
Variant type: single nucleotide variant.
Coding change: c.5659G>A on transcript NM_015335.5 (MANE Select); coding-DNA position 5659, G replaced by A.
Protein change: p.Val1887Ile; replaces valine 1887 with isoleucine.
Molecular consequence: missense variant.
Genome position (GRCh38, 1-based): chr12:115,975,243, C>T on the plus strand (G>A on the coding strand, the complement: MED13L is on the minus strand). VCF-style: chr12-115975243-C-T. GRCh37 (hg19) VCF-style: chr12-116413048-C-T.
Other names: short protein forms V1887I.
Identifiers: ClinVar variation 1033772 (VCV001033772.1), dbSNP rs201002721, ClinGen allele CA386878360.